The following is an entry in ClinVar:

NM_020408.6(LYRM4):c.-11_-10dup

Genes: FARS2 (phenylalanyl-tRNA synthetase 2, mitochondrial; plus strand), LYRM4 (LYR motif containing 4; minus strand), LOC129995672 (ATAC-STARR-seq lymphoblastoid silent region 16873; plus strand). Cytogenetic location: 6p25.1.
Variant type: Duplication.
Coding change: c.-11_-10dup on transcript NM_020408.6 (MANE Select); 11 bases upstream of the start codon through 10 bases upstream of the start codon, 2 bases duplicated (TT; older notation c.-11_-10dupTT).
Molecular consequence: 5 prime UTR variant. On other transcripts: genic upstream transcript variant (1), non-coding transcript variant (3).
Genome position (GRCh38, 1-based): chr6:5,260,743-5,260,744, AA duplicated on the plus strand (TT on the coding strand, the reverse complement: LYRM4 is on the minus strand); duplicating any 2 consecutive bases within chr6:5,260,743-5,260,751 gives the same sequence; the c. name uses the placement nearest the transcript's 3' end. VCF-style (leftmost placement, unchanged base first): chr6-5260742-G-GAA. GRCh37 (hg19) VCF-style: chr6-5260975-G-GAA.
Other names: c.-932_-931dup (NM_006567.5); c.-11_-10dup (NM_001164840.3, NM_001164841.3, NM_001318782.1 and 2 more transcripts).
Identifiers: ClinVar variation 1292064 (VCV001292064.4), dbSNP rs561083109, ClinGen allele CA3623559.
Genomic context (GRCh38, chr6:5,260,742, plus strand): 5'-TCAGCATCGCCCGGTACAGAGATAACACTTGTGCGCGACTGGAGGCTGCCATTTTGGAAA[G>GAA]AAAAAAAAATAAACGGGTCCTCTTCGCCGAGGTCCCAAGTACGACCCAACCCACGAAACT-3'

ClinVar aggregate classification (germline): Benign/Likely benign. Review status: criteria provided, multiple submitters, no conflicts (2 of 4 stars). 3 submissions from 3 submitters: Benign (2); Likely benign (1). Last evaluated 2023-01-19.

Conditions:
Hereditary spastic paraplegia 77. Also called: Spastic paraplegia 77, autosomal recessive. Identifiers: Orphanet 466722, MedGen C5569007, MONDO:0014882, OMIM 617046.
Combined oxidative phosphorylation defect type 14. Also called: Combined oxidative phosphorylation deficiency 14. Identifiers: Orphanet 319519, MedGen C4755312, MONDO:0013986, OMIM 614946.

Submissions (3):

Mayo Clinic Laboratories, Mayo Clinic
Classification: Benign. Last evaluated: 2023-01-19. Review status: criteria provided, single submitter. Criteria: ACMG Guidelines, 2015. Collection method: clinical testing. Allele origin: germline. Observed: 5 variant alleles.
Comment: BA1

Fulgent Genetics
Classification: Likely benign for Combined oxidative phosphorylation defect type 14; Hereditary spastic paraplegia 77. Last evaluated: 2021-07-26. Review status: criteria provided, single submitter. Criteria: ACMG Guidelines, 2015. Collection method: clinical testing. Allele origin: unknown.

GeneDx
Classification: Benign. Last evaluated: 2018-06-06. Review status: criteria provided, single submitter. Criteria: GeneDx Variant Classification Process June 2021. Collection method: clinical testing. Allele origin: germline. Affected: yes.